The following is an entry in ClinVar:

ClinVar aggregate classification (germline): Uncertain significance. Review status: criteria provided, multiple submitters, no conflicts (2 of 4 stars). 2 submissions from 2 submitters: Uncertain significance (2). Last evaluated 2022-10-03.

Conditions:
UPK3A-related disorder. Also called: UPK3A-related condition.

Allele frequency attached by ClinVar (database versions not stated): gnomAD exomes 0.00001; TOPMed 0.00001; ExAC 0.00002; gnomAD 0.00001.
gnomAD v4.1: 16 of 1,613,872 alleles (0.00099%); highest among the groups gnomAD compares: African/African-American, 0.004%; no homozygotes.

Submissions (2):

PreventionGenetics, part of Exact Sciences
Classification: Uncertain significance for UPK3A-related condition. Last evaluated: 2022-10-03. Review status: criteria provided, single submitter. Criteria: ACMG Guidelines, 2015. Collection method: clinical testing. Allele origin: germline.
Comment: The UPK3A c.773C>T variant is predicted to result in the amino acid substitution p.Ser258Leu. To our knowledge, this variant has not been reported in the literature. This variant is reported in 0.0050% of alleles in individuals of East Asian descent in gnomAD. At this time, the clinical significance of this variant is uncertain due to the absence of conclusive functional and genetic evidence.

GeneDx
Classification: Uncertain significance. Last evaluated: 2020-02-12. Review status: criteria provided, single submitter. Criteria: GeneDx Variant Classification Process June 2021. Collection method: clinical testing. Allele origin: germline. Affected: yes.
Comment: In silico analysis supports that this missense variant has a deleterious effect on protein structure/function; Has not been previously published as pathogenic or benign to our knowledge

NM_006953.4(UPK3A):c.773C>T (p.Ser258Leu)

Gene: UPK3A (uroplakin 3A; plus strand). Cytogenetic location: 22q13.31.
Variant type: single nucleotide variant.
Coding change: c.773C>T on transcript NM_006953.4 (MANE Select); coding-DNA position 773, C replaced by T.
Protein change: p.Ser258Leu; replaces serine 258 with leucine.
Molecular consequence: missense variant.
Genome position (GRCh38, 1-based): chr22:45,295,628, C>T. VCF-style: chr22-45295628-C-T. GRCh37 (hg19) VCF-style: chr22-45691509-C-T.
Other names: c.410C>T, p.Ser137Leu (NM_001167574.2); short protein forms S258L, S137L.
Identifiers: ClinVar variation 432666 (VCV000432666.4), dbSNP rs761759676, ClinGen allele CA10284538.